The following is an entry in ClinVar:

ClinVar aggregate classification (germline): Uncertain significance (1 of 4 stars; one submission).

Submission:

GeneDx
Classification: Uncertain significance. Last evaluated: 2021-01-08. Review status: criteria provided, single submitter. Criteria: GeneDx Variant Classification Process June 2021. Collection method: clinical testing. Allele origin: germline. Affected: yes.
Comment: Not observed in large population cohorts (Lek et al., 2016); In silico analysis supports that this missense variant has a deleterious effect on protein structure/function; Has not been previously published as pathogenic or benign to our knowledge

NM_000083.3(CLCN1):c.1474G>A (p.Ala492Thr)

Gene: CLCN1 (chloride voltage-gated channel 1; plus strand). Cytogenetic location: 7q34.
Variant type: single nucleotide variant.
Coding change: c.1474G>A on transcript NM_000083.3 (MANE Select); coding-DNA position 1474, G replaced by A.
Protein change: p.Ala492Thr; replaces alanine 492 with threonine.
Molecular consequence: missense variant. On other transcripts: non-coding transcript variant (1).
Genome position (GRCh38, 1-based): chr7:143,339,513, G>A. VCF-style: chr7-143339513-G-A. GRCh37 (hg19) VCF-style: chr7-143036606-G-A.
Other names: short protein forms A492T.
Identifiers: ClinVar variation 1313994 (VCV001313994.2), dbSNP rs1803021137, ClinGen allele CA369645524.